The following is an entry in ClinVar:

ClinVar aggregate classification (germline): Uncertain significance. Review status: criteria provided, multiple submitters, no conflicts (2 of 4 stars). 10 submissions from 10 submitters: Uncertain significance (9). 1 of the submissions does not count toward it. Last evaluated 2026-01-21.

Conditions:
BARD1-related disorder. Also called: BARD1-related condition.
Breast and/or ovarian cancer. Identifiers: MedGen CN221562.
Hereditary cancer-predisposing syndrome. Also called: Neoplastic Syndromes, Hereditary; Hereditary neoplastic syndrome; Tumor predisposition; Hereditary Cancer Syndrome. Identifiers: Orphanet 140162, MedGen C0027672, MeSH D009386, MONDO:0015356.
Familial cancer of breast. Also called: Hereditary breast cancer; hereditary breast carcinoma; BREAST CANCER, FAMILIAL. Identifiers: Orphanet 227535, MedGen C0346153, MONDO:0016419, OMIM 114480. Disease mechanism: loss of function.

Allele frequency attached by ClinVar (database versions not stated): gnomAD exomes 0.00004; ExAC 0.00007; TOPMed 0.00002; gnomAD 0.00003.
gnomAD v4.1: 101 of 1,614,042 alleles (0.0063%); highest among the groups gnomAD compares: South Asian, 0.011%; no homozygotes.

Submissions (10):

Ambry Genetics
Classification: Uncertain significance for Hereditary cancer-predisposing syndrome. Last evaluated: 2026-01-21. Review status: criteria provided, single submitter. Criteria: Ambry Variant Classification Scheme 2023. Collection method: clinical testing. Allele origin: germline.

Color Diagnostics, LLC DBA Color Health
Classification: Uncertain significance for Hereditary cancer-predisposing syndrome. Last evaluated: 2025-11-13. Review status: criteria provided, single submitter. Criteria: ACMG Guidelines, 2015. Collection method: clinical testing. Allele origin: germline.
Comment: This missense variant replaces arginine with glutamine at codon 751 of the BARD1 protein. Computational prediction suggests that this variant may not impact protein structure and function. To our knowledge, functional studies have not been reported for this variant. This variant has been reported in an individual affected with sarcoma (PMID: 27498913) This variant has been identified in 12/282618 chromosomes in the general population by the Genome Aggregation Database (gnomAD). The available evidence is insufficient to determine the role of this variant in disease conclusively. Therefore, this variant is classified as a Variant of Uncertain Significance.

Labcorp Genetics (formerly Invitae), Labcorp
Classification: Uncertain significance for Familial cancer of breast. Last evaluated: 2025-10-09. Review status: criteria provided, single submitter. Criteria: Invitae Variant Classification Sherloc (09022015). Collection method: clinical testing. Allele origin: germline.
Comment: This sequence change replaces arginine, which is basic and polar, with glutamine, which is neutral and polar, at codon 751 of the BARD1 protein (p.Arg751Gln). This variant is present in population databases (rs587782246, gnomAD 0.007%). This missense change has been observed in individual(s) with sarcoma (PMID: 27498913). ClinVar contains an entry for this variant (Variation ID: 142117). An algorithm developed to predict the effect of missense changes on protein structure and function (PolyPhen-2) suggests that this variant is likely to be disruptive. In summary, the available evidence is currently insufficient to determine the role of this variant in disease. Therefore, it has been classified as a Variant of Uncertain Significance.

Quest Diagnostics Nichols Institute San Juan Capistrano
Classification: Uncertain significance. Last evaluated: 2024-10-29. Review status: criteria provided, single submitter. Criteria: Quest Diagnostics criteria. Collection method: clinical testing. Allele origin: unknown.
Comment: The BARD1 c.2252G>A (p.Arg751Gln) variant has been reported in the published literature in individuals with a personal history of breast cancer (PMID: 25186627 (2015) and 33471991 (2021); LOVD3 Shared) and in reportedly healthy individuals (PMID: 36896836 (2023), 36243179 (2022), and 33471991 (2021); LOVD3 Shared). The frequency of this variant in the general population, 0.00007 (9/128996 chromosomes (Genome Aggregation Database)), is uninformative in the assessment of its pathogenicity. Analysis of this variant using bioinformatics tools for the prediction of the effect of amino acid changes on protein structure and function yielded predictions that this variant is damaging. Based on the available information, we are unable to determine the clinical significance of this variant.

Baylor Genetics
Classification: Uncertain significance for Familial cancer of breast. Last evaluated: 2024-03-27. Review status: criteria provided, single submitter. Criteria: ACMG Guidelines, 2015. Collection method: clinical testing. Allele origin: unknown.

GeneDx
Classification: Uncertain significance. Last evaluated: 2022-11-14. Review status: criteria provided, single submitter. Criteria: GeneDx Variant Classification Process June 2021. Collection method: clinical testing. Allele origin: germline. Affected: yes.
Comment: In silico analysis supports that this missense variant has a deleterious effect on protein structure/function; Observed in an individual with a personal history of sarcoma (Ballinger et al., 2016); This variant is associated with the following publications: (PMID: 24463508, 17550235, 27498913)

CHEO Genetics Diagnostic Laboratory, Children's Hospital of Eastern Ontario
Classification: Uncertain significance for Breast and/or ovarian cancer. Last evaluated: 2022-08-29. Review status: criteria provided, single submitter. Criteria: ACMG Guidelines, 2015. Collection method: clinical testing. Allele origin: germline.

Revvity Omics, Revvity
Classification: Uncertain significance. Last evaluated: 2021-08-23. Review status: criteria provided, single submitter. Criteria: ACMG Guidelines, 2015. Collection method: clinical testing. Allele origin: germline.

Illumina Laboratory Services, Illumina
Classification: Uncertain significance for Familial cancer of breast. Last evaluated: 2018-01-12. Review status: criteria provided, single submitter. Criteria: ICSL Variant Classification Criteria 13 December 2019. Collection method: clinical testing. Allele origin: germline.

PreventionGenetics, part of Exact Sciences
Classification: Uncertain significance for BARD1-related condition. Last evaluated: 2024-05-16. Review status: no assertion criteria provided. Collection method: clinical testing. Allele origin: germline. Not counted in ClinVar's aggregate classification.
Comment: The BARD1 c.2252G>A variant is predicted to result in the amino acid substitution p.Arg751Gln. This variant has been reported as a variant of uncertain significance in one patient with synovial sarcoma (Ballinger et al. 2016. PubMed ID: 27498913), in two patients with breast cancer (Tung et al. 2014. PubMed ID: 25186627), and in one patient with biliary tract cancer (Okawa et al. 2023. PubMed ID: 36243179). This variant is reported in 0.0070% of alleles in individuals of European (Non-Finnish) descent in gnomAD and is interpreted as a variant of uncertain significance in ClinVar. At this time, the clinical significance of this variant is uncertain due to the absence of conclusive functional and genetic evidence.

Literature cited by the submitters: PubMed 27498913 (cited by 3 submitters); PubMed 24463508 (cited by Quest Diagnostics Nichols Institute San Juan Capistrano); PubMed 36243179 (cited by Quest Diagnostics Nichols Institute San Juan Capistrano); PubMed 36896836 (cited by Quest Diagnostics Nichols Institute San Juan Capistrano); PubMed 33471991 (cited by Quest Diagnostics Nichols Institute San Juan Capistrano); PubMed 25186627 (cited by Quest Diagnostics Nichols Institute San Juan Capistrano).

NM_000465.4(BARD1):c.2252G>A (p.Arg751Gln)

Gene: BARD1 (BRCA1 associated RING domain 1; minus strand). Cytogenetic location: 2q35.
Variant type: single nucleotide variant.
Coding change: c.2252G>A on transcript NM_000465.4 (MANE Select); coding-DNA position 2252, G replaced by A.
Protein change: p.Arg751Gln; replaces arginine 751 with glutamine.
Molecular consequence: missense variant. On other transcripts: non-coding transcript variant (3).
Genome position (GRCh38, 1-based): chr2:214,728,758, C>T on the plus strand (G>A on the coding strand, the complement: BARD1 is on the minus strand). VCF-style: chr2-214728758-C-T. GRCh37 (hg19) VCF-style: chr2-215593482-C-T.
Other names: c.2195G>A, p.Arg732Gln (NM_001282543.2); c.899G>A, p.Arg300Gln (NM_001282545.2); c.842G>A, p.Arg281Gln (NM_001282548.2); c.713G>A, p.Arg238Gln (NM_001282549.2); short protein forms R751Q, R732Q, R281Q, R300Q, R238Q.
Identifiers: ClinVar variation 142117 (VCV000142117.35), dbSNP rs587782246, ClinGen allele CA167450.